The following is an entry in ClinVar:

ClinVar aggregate classification (germline): Pathogenic. Review status: criteria provided, multiple submitters, no conflicts (2 of 4 stars). 2 submissions from 2 submitters: Pathogenic (2). Last evaluated 2024-11-18.

Conditions:
Symmetrical dyschromatosis of extremities (DSH). Also called: RETICULATE ACROPIGMENTATION OF DOHI; SYMMETRIC DYSCHROMATOSIS OF THE EXTREMITIES; DYSCHROMATOSIS SYMMETRICA HEREDITARIA 1; Dyschromatosis symmetrica hereditaria. Identifiers: Orphanet 41, MedGen C0406775, MONDO:0007483, OMIM 127400.
Aicardi-Goutieres syndrome 6 (AGS6). Identifiers: Orphanet 51, MedGen C3539013, MONDO:0014007, OMIM 615010.

Allele frequency attached by ClinVar (database versions not stated): gnomAD exomes below 0.00001; TOPMed below 0.00001; gnomAD 0.00001.
gnomAD v4.1: 2 of 1,613,976 alleles (0.00012%); highest among the groups gnomAD compares: Non-Finnish European, 0.00017%; no homozygotes.

Submissions (2):

Labcorp Genetics (formerly Invitae), Labcorp
Classification: Pathogenic for Aicardi-Goutieres syndrome 6; Symmetrical dyschromatosis of extremities. Last evaluated: 2024-11-18. Review status: criteria provided, single submitter. Criteria: Invitae Variant Classification Sherloc (09022015). Collection method: clinical testing. Allele origin: germline.
Comment: This sequence change replaces arginine, which is basic and polar, with cysteine, which is neutral and slightly polar, at codon 1078 of the ADAR protein (p.Arg1078Cys). This variant is not present in population databases (gnomAD no frequency). This missense change has been observed in individual(s) with autosomal dominant dyschromatosis symmetrica hereditaria (PMID: 15489923). It has also been observed to segregate with disease in related individuals. This variant is also known as R1074C. ClinVar contains an entry for this variant (Variation ID: 2925166). Invitae Evidence Modeling of protein sequence and biophysical properties (such as structural, functional, and spatial information, amino acid conservation, physicochemical variation, residue mobility, and thermodynamic stability) has been performed for this missense variant. However, the output from this modeling did not meet the statistical confidence thresholds required to predict the impact of this variant on ADAR protein function. For these reasons, this variant has been classified as Pathogenic.

Juno Genomics, Hangzhou Juno Genomics, Inc
Classification: Pathogenic for Aicardi-Goutieres syndrome 6; Symmetrical dyschromatosis of extremities. Review status: criteria provided, single submitter. Criteria: ACMG Guidelines, 2015. Collection method: clinical testing. Allele origin: germline. Affected: yes.
Comment: Absent from controls (or at extremely low frequency if recessive) in Genome Aggregation Database, Exome Sequencing Project, 1000 Genomes Project, or Exome Aggregation Consortium.;Multiple lines of computational evidence support a deleterious effect on the gene or gene product (conservation, evolutionary, splicing impact, etc).;Co-segregation with disease in multiple affected family members in a gene definitively known to cause the disease.;The prevalence of the variant in affected individuals is significantly increased compared to the prevalence in controls.;Patient's phenotype or family history is highly specific for a disease with a single genetic etiology.

Literature cited by the submitters: PubMed 15489923 (cited by Labcorp Genetics (formerly Invitae), Labcorp).

NM_001111.5(ADAR):c.3232C>T (p.Arg1078Cys)

Gene: ADAR (adenosine deaminase RNA specific; minus strand). Cytogenetic location: 1q21.3.
Variant type: single nucleotide variant.
Coding change: c.3232C>T on transcript NM_001111.5 (MANE Select); coding-DNA position 3232, C replaced by T.
Protein change: p.Arg1078Cys; replaces arginine 1078 with cysteine.
Molecular consequence: missense variant.
Genome position (GRCh38, 1-based): chr1:154,585,836, G>A on the plus strand (C>T on the coding strand, the complement: ADAR is on the minus strand). VCF-style: chr1-154585836-G-A. GRCh37 (hg19) VCF-style: chr1-154558312-G-A.
Other names: c.2347C>T, p.Arg783Cys (NM_001365047.1, NM_001025107.3, NM_001193495.2 and 2 more transcripts); c.2269C>T, p.Arg757Cys (NM_001365049.1); c.3154C>T, p.Arg1052Cys (NM_015840.4); c.3097C>T, p.Arg1033Cys (NM_015841.4); c.3259C>T, p.Arg1087Cys (NM_001365045.1); short protein forms R1033C, R1078C, R1052C, R757C, R1087C, R783C.
Identifiers: ClinVar variation 2925166 (VCV002925166.5), dbSNP rs1696721808, ClinGen allele CA342635431.
Genomic context (GRCh38, chr1:154,585,836, plus strand): 5'-GATGTCGTAGTCCATCCTCAAATGCACTCCCATCTCTTGTCACACGACAGCAAATAGCAC[G>A]GGTCAGATGCCCTTGGCTGAAAAGGTAACCTGAGTACAAAAAAGAGAAACATATATACCT-3'
Protein context (NP_001102.3, residues 1068-1088): GYLFSQGHLT[Arg1078Cys]AICCRVTRDG